The following is an entry in ClinVar:

NM_078470.6(COX15):c.532C>T (p.Arg178Cys)

Gene: COX15 (cytochrome c oxidase assembly factor COX15; minus strand). Cytogenetic location: 10q24.2.
Variant type: single nucleotide variant.
Coding change: c.532C>T on transcript NM_078470.6 (MANE Select); coding-DNA position 532, C replaced by T.
Protein change: p.Arg178Cys; replaces arginine 178 with cysteine.
Molecular consequence: missense variant. On other transcripts: 5 prime UTR variant (1), non-coding transcript variant (1).
Genome position (GRCh38, 1-based): chr10:99,727,018, G>A on the plus strand (C>T on the coding strand, the complement: COX15 is on the minus strand). VCF-style: chr10-99727018-G-A. GRCh37 (hg19) VCF-style: chr10-101486775-G-A.
Other names: c.532C>T (NM_004376.5); c.532C>T, p.Arg178Cys (NM_001320974.2, NM_001320975.2, NM_001372024.1 and 5 more transcripts); c.-6C>T (NM_001320976.2); short protein forms R178C.
Identifiers: ClinVar variation 522748 (VCV000522748.13), dbSNP rs192078749, ClinGen allele CA5642244.

ClinVar aggregate classification (germline): Conflicting classifications of pathogenicity. Review status: criteria provided, conflicting classifications (1 of 4 stars). 3 submissions from 3 submitters: Uncertain significance (2); Likely benign (1). Last evaluated 2025-09-23.

Conditions:
Cardioencephalomyopathy, fatal infantile, due to cytochrome c oxidase deficiency 2 (MC4DN6). Also called: MITOCHONDRIAL COMPLEX IV DEFICIENCY, NUCLEAR TYPE 6. Identifiers: Orphanet 1561, MedGen C3554534, MONDO:0014051, OMIM 615119.

Allele frequency attached by ClinVar (database versions not stated): TOPMed 0.00007; ESP Exome Variant Server 0.00008; gnomAD 0.00008 and 0.00015; gnomAD exomes 0.00022 and 0.00043; 1000 Genomes Project 0.00040; ExAC 0.00055; 1000 Genomes Project 30x 0.00062.
gnomAD v4.1: 339 of 1,614,054 alleles (0.021%); highest among the groups gnomAD compares: South Asian, 0.28%; 4 homozygotes.

Submissions (3):

Labcorp Genetics (formerly Invitae), Labcorp
Classification: Likely benign. Last evaluated: 2025-09-23. Review status: criteria provided, single submitter. Criteria: Invitae Variant Classification Sherloc (09022015). Collection method: clinical testing. Allele origin: germline.

GeneDx
Classification: Uncertain significance. Last evaluated: 2025-02-11. Review status: criteria provided, single submitter. Criteria: GeneDx Variant Classification Process June 2021. Collection method: clinical testing. Allele origin: germline. Affected: yes.
Comment: In silico analysis supports that this missense variant has a deleterious effect on protein structure/function; Has not been previously published as pathogenic or benign to our knowledge

Genomic Research Center, Shahid Beheshti University of Medical Sciences
Classification: Uncertain significance for Cardioencephalomyopathy, fatal infantile, due to cytochrome c oxidase deficiency 2. Last evaluated: 2019-04-27. Review status: criteria provided, single submitter. Criteria: ACMG Guidelines, 2015. Collection method: clinical testing. Allele origin: unknown. Affected: no.